The following is an entry in ClinVar:

ClinVar aggregate classification (germline): Pathogenic (1 of 4 stars; one submission).

Conditions:
Tyrosinase-positive oculocutaneous albinism (OCA2). Also called: ALBINISM II; Oculocutaneous albinism type 2; Albinism, oculocutaneous, type II. Identifiers: Orphanet 79432, MedGen C0268495, MONDO:0008746, OMIM 203200.

Submission:

Juno Genomics, Hangzhou Juno Genomics, Inc
Classification: Pathogenic for Tyrosinase-positive oculocutaneous albinism. Review status: criteria provided, single submitter. Criteria: ACMG Guidelines, 2015. Collection method: clinical testing. Allele origin: germline.
Comment: Absent from controls (or at extremely low frequency if recessive) in Genome Aggregation Database.;Null variant in a gene where loss of function (LOF) is a known mechanism of disease.;For recessive disorders, detected in trans with a pathogenic variant.

NM_000275.3(OCA2):c.980dup (p.Glu328fs)

Gene: OCA2 (OCA2 melanosomal transmembrane protein; minus strand). Cytogenetic location: 15q13.1.
Variant type: Duplication.
Coding change: c.980dup on transcript NM_000275.3 (MANE Select); coding-DNA position 980, one base duplicated (T; older notation c.980dupT).
Protein change: p.Glu328fs; shifts the reading frame from glutamic acid 328.
Molecular consequence: frameshift variant.
Genome position (GRCh38, 1-based): chr15:28,014,840, A duplicated on the plus strand (T on the coding strand, the reverse complement: OCA2 is on the minus strand). VCF-style (leftmost placement, unchanged base first): chr15-28014839-T-TA. GRCh37 (hg19) VCF-style: chr15-28259985-T-TA.
Other names: c.980dup, p.Glu328fs (NM_001300984.2); short protein forms E328fs.
Identifiers: ClinVar variation 5005376 (VCV005005376.2).
Genomic context (GRCh38, chr15:28,014,839, plus strand): 5'-AAATATGATCAGCGCGTAGACGCCCGCGAGGATGGCCGTCGCGATGGTCACCTGGGTTTC[T>TA]ACACTTCCGCGGAGGTACTGATGAGCCATCAAAAGAGGGACAGCCTGGGTCTGCTGCAGG-3'